The following is an entry in ClinVar:

NM_001378452.1(ITPR1):c.7594A>G (p.Lys2532Glu)

Genes: ITPR1 (inositol 1,4,5-trisphosphate receptor type 1; plus strand), LOC126806590 (MED14-independent group 3 enhancer GRCh37_chr3:4855759-4856958; plus strand). Cytogenetic location: 3p26.1.
Variant type: single nucleotide variant.
Coding change: c.7594A>G on transcript NM_001378452.1 (MANE Select); coding-DNA position 7594, A replaced by G.
Protein change: p.Lys2532Glu; replaces lysine 2532 with glutamic acid.
Molecular consequence: missense variant.
Genome position (GRCh38, 1-based): chr3:4,814,455, A>G. VCF-style: chr3-4814455-A-G. GRCh37 (hg19) VCF-style: chr3-4856139-A-G.
Other names: c.7450A>G, p.Lys2484Glu (NM_001099952.4); c.7549A>G, p.Lys2517Glu (NM_001168272.2); c.7405A>G, p.Lys2469Glu (NM_002222.7); c.7405A>G (NM_002222.5); short protein forms K2484E, K2532E, K2517E, K2469E.
Identifiers: ClinVar variation 3009839 (VCV003009839.4), dbSNP rs367632214, ClinGen allele CA68845817.
Genomic context (GRCh38, chr3:4,814,455, plus strand): 5'-TCTCTGTTGTTACTTGCCGTGTTCACAGAGCTGGTCCCTGCAGAAGAGACGGAACAGGAT[A>G]AAGAGCACACATGTGAGACGCTGCTGATGTGCATTGTCACTGTGCTGAGTCACGGGCTGC-3'
Protein context (NP_001365381.1, residues 2522-2542): LVPAEETEQD[Lys2532Glu]EHTCETLLMC

ClinVar aggregate classification (germline): Uncertain significance. Review status: criteria provided, multiple submitters, no conflicts (2 of 4 stars). 2 submissions from 2 submitters: Uncertain significance (2). Last evaluated 2024-05-02.

Allele frequency attached by ClinVar (database versions not stated): gnomAD 0.00001; TOPMed 0.00001; ESP Exome Variant Server 0.00008.
gnomAD v4.1: 2 of 1,613,838 alleles (0.00012%); highest among the groups gnomAD compares: African/African-American, 0.0027%; no homozygotes.

Submissions (2):

GeneDx
Classification: Uncertain significance. Last evaluated: 2024-05-02. Review status: criteria provided, single submitter. Criteria: GeneDx Variant Classification Process June 2021. Collection method: clinical testing. Allele origin: germline. Affected: yes.
Comment: Not observed at significant frequency in large population cohorts (gnomAD); In silico analysis supports that this missense variant has a deleterious effect on protein structure/function; Has not been previously published as pathogenic or benign to our knowledge

Labcorp Genetics (formerly Invitae), Labcorp
Classification: Uncertain significance. Last evaluated: 2023-08-08. Review status: criteria provided, single submitter. Criteria: Invitae Variant Classification Sherloc (09022015). Collection method: clinical testing. Allele origin: germline.
Comment: In summary, the available evidence is currently insufficient to determine the role of this variant in disease. Therefore, it has been classified as a Variant of Uncertain Significance. Advanced modeling of protein sequence and biophysical properties (such as structural, functional, and spatial information, amino acid conservation, physicochemical variation, residue mobility, and thermodynamic stability) performed at Invitae indicates that this missense variant is not expected to disrupt ITPR1 protein function. This variant has not been reported in the literature in individuals affected with ITPR1-related conditions. This variant is not present in population databases (gnomAD no frequency). This sequence change replaces lysine, which is basic and polar, with glutamic acid, which is acidic and polar, at codon 2469 of the ITPR1 protein (p.Lys2469Glu).